The following is an entry in ClinVar:

ClinVar aggregate classification (germline): Uncertain significance. Review status: criteria provided, multiple submitters, no conflicts (2 of 4 stars). 6 submissions from 6 submitters: Uncertain significance (6). Last evaluated 2025-09-12.

Conditions:
Hereditary cancer-predisposing syndrome. Also called: Hereditary neoplastic syndrome; Neoplastic Syndromes, Hereditary; Tumor predisposition; Hereditary Cancer Syndrome. Identifiers: Orphanet 140162, MedGen C0027672, MeSH D009386, MONDO:0015356.
Familial cancer of breast. Also called: Hereditary breast cancer; hereditary breast carcinoma; BREAST CANCER, FAMILIAL. Identifiers: Orphanet 227535, MedGen C0346153, MONDO:0016419, OMIM 114480. Disease mechanism: loss of function.
Pancreatic cancer, susceptibility to, 3. Identifiers: Orphanet 1333, MedGen C3150547, MONDO:0013236, OMIM 613348.
Fanconi anemia complementation group N. Also called: PALB2-Related Fanconi Anemia. Identifiers: Orphanet 84, MedGen C1835817, MONDO:0012565, OMIM 610832. Disease mechanism: loss of function.

Allele frequency attached by ClinVar (database versions not stated): gnomAD exomes below 0.00001; TOPMed 0.00002.

Submissions (6):

Ambry Genetics
Classification: Uncertain significance for Hereditary cancer-predisposing syndrome. Last evaluated: 2025-09-12. Review status: criteria provided, single submitter. Criteria: Ambry Variant Classification Scheme 2023. Collection method: clinical testing. Allele origin: germline.
Comment: The p.C1109R variant (also known as c.3325T>C), located in coding exon 12 of the PALB2 gene, results from a T to C substitution at nucleotide position 3325. The cysteine at codon 1109 is replaced by arginine, an amino acid with highly dissimilar properties. This amino acid position is well conserved in available vertebrate species. In addition, this alteration is predicted to be tolerated by in silico analysis. Since supporting evidence is limited at this time, the clinical significance of this alteration remains unclear.

Labcorp Genetics (formerly Invitae), Labcorp
Classification: Uncertain significance for Familial cancer of breast. Last evaluated: 2024-06-24. Review status: criteria provided, single submitter. Criteria: Invitae Variant Classification Sherloc (09022015). Collection method: clinical testing. Allele origin: germline.
Comment: This sequence change replaces cysteine, which is neutral and slightly polar, with arginine, which is basic and polar, at codon 1109 of the PALB2 protein (p.Cys1109Arg). This variant is not present in population databases (gnomAD no frequency). This variant has not been reported in the literature in individuals affected with PALB2-related conditions. ClinVar contains an entry for this variant (Variation ID: 410196). An algorithm developed to predict the effect of missense changes on protein structure and function (PolyPhen-2) suggests that this variant is likely to be disruptive. In summary, the available evidence is currently insufficient to determine the role of this variant in disease. Therefore, it has been classified as a Variant of Uncertain Significance.

Baylor Genetics
Classification: Uncertain significance for Familial cancer of breast. Last evaluated: 2024-02-10. Review status: criteria provided, single submitter. Criteria: ACMG Guidelines, 2015. Collection method: clinical testing. Allele origin: unknown.

Fulgent Genetics
Classification: Uncertain significance for Familial cancer of breast; Fanconi anemia complementation group N; Pancreatic cancer, susceptibility to, 3. Last evaluated: 2022-04-19. Review status: criteria provided, single submitter. Criteria: ACMG Guidelines, 2015. Collection method: clinical testing. Allele origin: unknown.

Sema4
Classification: Uncertain significance for Hereditary cancer-predisposing syndrome. Last evaluated: 2021-08-18. Review status: criteria provided, single submitter. Criteria: Sema4 Curation Guidelines. Collection method: curation. Allele origin: germline.
Comment: The PALB2 c.3325T>C (p.C1109R) variant has not been reported in the literature to our knowledge. It was not observed in the large and broad cohorts of the Genome Aggregation Database. The variant has been reported in ClinVar (Variation ID 410196). Functional studies have not been performed, and in silico predictions of the variant's effect on protein function are inconclusive. The evidence is insufficient to meet ACMG/AMP criteria for classifying the variant as benign or pathogenic. Thus, the clinical significance of this variant is currently uncertain.

Color Diagnostics, LLC DBA Color Health
Classification: Uncertain significance for Hereditary cancer-predisposing syndrome. Last evaluated: 2019-10-14. Review status: criteria provided, single submitter. Criteria: ACMG Guidelines, 2015. Collection method: clinical testing. Allele origin: germline.
Comment: This missense variant replaces cysteine with arginine at codon 1109 of the PALB2 protein. Computational prediction suggests that this variant may not impact protein structure and function (internally defined REVEL score threshold <= 0.5, PMID: 27666373). Splice site prediction tools suggest that this variant may not impact RNA splicing. To our knowledge, functional studies have not been performed for this variant. This variant has not been reported in individuals affected with hereditary cancer in the literature. This variant has not been identified in the general population by the Genome Aggregation Database (gnomAD). The available evidence is insufficient to determine the role of this variant in disease conclusively. Therefore, this variant is classified as a Variant of Uncertain Significance.

NM_024675.4(PALB2):c.3325T>C (p.Cys1109Arg)

Gene: PALB2 (partner and localizer of BRCA2; minus strand). Cytogenetic location: 16p12.2.
Variant type: single nucleotide variant.
Coding change: c.3325T>C on transcript NM_024675.4 (MANE Select); coding-DNA position 3325, T replaced by C.
Protein change: p.Cys1109Arg; replaces cysteine 1109 with arginine.
Molecular consequence: missense variant.
Genome position (GRCh38, 1-based): chr16:23,607,889, A>G on the plus strand (T>C on the coding strand, the complement: PALB2 is on the minus strand). VCF-style: chr16-23607889-A-G. GRCh37 (hg19) VCF-style: chr16-23619210-A-G.
Other names: short protein forms C1109R.
Identifiers: ClinVar variation 410196 (VCV000410196.22), dbSNP rs911734555, ClinGen allele CA16614809.
Genomic context (GRCh38, chr16:23,607,889, plus strand): 5'-GTCCCACCCATAGAGTAGCAGTTATGCACACTTGCCTGCCAGCCTGCCCTGGAGGAAGAC[A>G]GTACAGCATCACACCCACGCTGAGAGTCGTCTTAGGGTTAATCACAATGAGCTGAAACAC-3'
Protein context (NP_078951.2, residues 1099-1119): TTLSVGVMLY[Cys1109Arg]LPPGQAGRFL